The following is an entry in ClinVar:

ClinVar aggregate classification (germline): Pathogenic/Likely pathogenic. Review status: criteria provided, multiple submitters, no conflicts (2 of 4 stars). 3 submissions from 3 submitters: Pathogenic (1); Likely pathogenic (2). Last evaluated 2025-10-21.

Conditions:
Congenital lipoid adrenal hyperplasia due to STAR deficency. Also called: Lipoid adrenal hyperplasia; Congenital Lipoid Adrenal Hyperplasia; Cholesterol monooxygenase (side-chain cleaving) deficiency; ADRENAL HYPERPLASIA I. Identifiers: Orphanet 418, Orphanet 90790, MedGen C0342474, MONDO:0008725, OMIM 201710.

Submissions (3):

Genetic Services Laboratory, University of Chicago
Classification: Likely pathogenic. Last evaluated: 2025-10-21. Review status: criteria provided, single submitter. Criteria: ACMG Guidelines, 2015. Collection method: clinical testing. Allele origin: germline.
Comment: The c.5_11del variant: Is a 7 base pair deletion in exon 1. Results in an amino acid frameshift and creates a premature stop codon 16 amino acids downstream of the change, p.Leu2Argfs*17. Predicted to result in an abnormal transcript, which may be degraded, or may lead to the production of a truncated STAR protein with potentially abnormal function. Has been previously described in a homozygous state in an individual with congenital lipoid adrenal hyperplasia (PMID: 15289763). Other loss of function variants in the gene have been described in association with congenital lipoid adrenal hyperplasia (PMID: 8948562, 32835366). Is reported in the gnomAD v4 database with a frequency of 0.00006%. Collectively this evidence indicates that this variant is likely pathogenic; however functional studies have not been performed to prove this conclusively.

Natera, Inc.
Classification: Pathogenic for Congenital lipoid adrenal hyperplasia. Last evaluated: 2025-08-15. Review status: criteria provided, single submitter. Criteria: Natera Variant Classification Schema (03/2026). Collection method: clinical testing. Allele origin: germline.
Comment: The c.5_11delTGCTAGC variant in STAR is a frameshift variant predicted to shift the reading frame beginning at codon 2 and leads to a stop codon 17 codons downstream. This variant is expected to result in nonsense mediated decay, truncation, or a dysfunctional protein product. This variant is rare in the general population with a frequency below the threshold expected for the associated phenotype(s). This variant has been observed in one or more individuals affected with the associated recessive disease, as either homozygous or compound heterozygous with a second variant (PMID: 15289763). Given the available evidence, this variant is classified as Pathogenic.

Fulgent Genetics
Classification: Likely pathogenic for Congenital lipoid adrenal hyperplasia due to STAR deficency. Last evaluated: 2024-05-25. Review status: criteria provided, single submitter. Criteria: ACMG Guidelines, 2015. Collection method: clinical testing. Allele origin: germline.

Literature cited by the submitters: PubMed 15289763 (cited by Natera, Inc.).

NM_000349.3(STAR):c.5_11del (p.Leu2fs)

Genes: STAR (steroidogenic acute regulatory protein; minus strand), LOC108863620 (STAR 5' regulatory region; plus strand). Cytogenetic location: 8p11.23.
Variant type: Deletion.
Coding change: c.5_11del on transcript NM_000349.3 (MANE Select); coding-DNA positions 5 to 11, 7 bases deleted (TGCTAGC; older notation c.5_11delTGCTAGC).
Protein change: p.Leu2fs; shifts the reading frame from leucine 2.
Molecular consequence: frameshift variant, initiator codon variant.
Genome position (GRCh38, 1-based): chr8:38,150,808-38,150,814, GCTAGCA deleted on the plus strand (TGCTAGC on the coding strand, the reverse complement: STAR is on the minus strand); deleting any 7 consecutive bases within chr8:38,150,808-38,150,816 gives the same sequence; the c. name uses the placement nearest the transcript's 3' end. VCF-style (leftmost placement, unchanged base first): chr8-38150807-CGCTAGCA-C. GRCh37 (hg19) VCF-style: chr8-38008325-CGCTAGCA-C.
Other names: c.5_11del (NM_000349.2); c.5_11delTGCTAGC (NM_000349.2); short protein forms L2fs.
Identifiers: ClinVar variation 3595582 (VCV003595582.3).
Genomic context (GRCh38, chr8:38,150,807, plus strand): 5'-GCGCTCACCCTTCATGTTGCGCATGTGTCTGTAGGAGCTCCCAGCGCACAGCTTGAATGT[CGCTAGCA>C]GCATTGTTTCCTGGCAAATGTGGCAGTGGTGGGGTCGCTGCCGCTGCTGCTGCCGCCGCT-3'